The following is an entry in ClinVar:

ClinVar aggregate classification (germline): Benign/Likely benign. Review status: criteria provided, multiple submitters, no conflicts (2 of 4 stars). 3 submissions from 3 submitters: Benign (1); Likely benign (1). 1 of the submissions does not count toward it. Last evaluated 2025-09-21.

Conditions:
Inborn genetic diseases. Identifiers: MedGen C0950123, MeSH D030342.
concomitant exotropia.

Allele frequency attached by ClinVar (database versions not stated): TOPMed 0.00001; gnomAD 0.00003; ExAC 0.00005; 1000 Genomes Project 30x 0.00016; 1000 Genomes Project 0.00020.
gnomAD v4.1: 85 of 1,614,002 alleles (0.0053%); highest among the groups gnomAD compares: East Asian, 0.19%; 1 homozygote.

Submissions (3):

Labcorp Genetics (formerly Invitae), Labcorp
Classification: Benign. Last evaluated: 2025-09-21. Review status: criteria provided, single submitter. Criteria: Invitae Variant Classification Sherloc (09022015). Collection method: clinical testing. Allele origin: germline.

Ambry Genetics
Classification: Likely benign for Inborn genetic diseases. Last evaluated: 2021-08-23. Review status: criteria provided, single submitter. Criteria: Ambry Variant Classification Scheme 2023. Collection method: clinical testing. Allele origin: germline.

Ophthalmology Lab, The First People's Hospital of Yunnan Provience
Classification: Likely pathogenic for concomitant exotropia. Last evaluated: 2024-08-30. Review status: no assertion criteria provided. Collection method: clinical testing. Allele origin: inherited. Affected: yes. Observed: 3 variant alleles. Not counted in ClinVar's aggregate classification.
Comment: Dominant inheritance. COL4A2 is a protein-coding gene associated with brain small vessel disease and intracerebral hemorrhage. Among its related pathways are the integrin pathway and nervous system development. Interestingly, ophthalmic diseases associated with COL4A2 mutations include keratoconus, ocular anterior segment dysgenesis, and nonarteritic anterior ischemic optic neuropathy. Neri et al described a novel COL4A2 mutation presenting with epilepsy and cortical development malformations, and the phenotype included strabismus. In our study, this gene was screened in all three pedigrees with different mutation sites.

NM_001846.4(COL4A2):c.2051G>C (p.Gly684Ala)

Gene: COL4A2 (collagen type IV alpha 2 chain; plus strand). Cytogenetic location: 13q34.
Variant type: single nucleotide variant.
Coding change: c.2051G>C on transcript NM_001846.4 (MANE Select); coding-DNA position 2051, G replaced by C.
Protein change: p.Gly684Ala; replaces glycine 684 with alanine.
Molecular consequence: missense variant.
Genome position (GRCh38, 1-based): chr13:110,467,052, G>C. VCF-style: chr13-110467052-G-C. GRCh37 (hg19) VCF-style: chr13-111119399-G-C.
Other names: short protein forms G684A.
Identifiers: ClinVar variation 1989458 (VCV001989458.6), dbSNP rs201214647, ClinGen allele CA7049809.